The following is an entry in ClinVar:

ClinVar aggregate classification (germline): Benign/Likely benign. Review status: criteria provided, multiple submitters, no conflicts (2 of 4 stars). 6 submissions from 6 submitters: Benign (1); Likely benign (5). Last evaluated 2025-10-14.

Conditions:
Familial cancer of breast. Also called: BREAST CANCER, FAMILIAL; hereditary breast carcinoma; Hereditary breast cancer. Identifiers: Orphanet 227535, MedGen C0346153, MONDO:0016419, OMIM 114480. Disease mechanism: loss of function.
Hereditary cancer-predisposing syndrome. Also called: Tumor predisposition; Hereditary Cancer Syndrome; Hereditary neoplastic syndrome; Neoplastic Syndromes, Hereditary. Identifiers: Orphanet 140162, MedGen C0027672, MeSH D009386, MONDO:0015356.
Ataxia-telangiectasia syndrome (AT). Also called: LOUIS-BAR SYNDROME; Cerebello-oculocutaneous telangiectasia; Immunodeficiency with ataxia telangiectasia; ATAXIA-TELANGIECTASIA, COMPLEMENTATION GROUP A; ATAXIA-TELANGIECTASIA, FRESNO VARIANT; Ataxia-telangiectasia. Identifiers: Orphanet 100, MedGen C0004135, MONDO:0008840, OMIM 208900.

gnomAD v4.1: 1 of 1,613,844 alleles (0.000062%); no homozygotes.

Submissions (6):

Labcorp Genetics (formerly Invitae), Labcorp
Classification: Likely benign for Ataxia-telangiectasia syndrome. Last evaluated: 2025-10-14. Review status: criteria provided, single submitter. Criteria: Invitae Variant Classification Sherloc (09022015). Collection method: clinical testing. Allele origin: germline.

Myriad Genetics, Inc.
Classification: Benign for Familial cancer of breast. Last evaluated: 2024-05-15. Review status: criteria provided, single submitter. Criteria: Myriad Autosomal Dominant, Autosomal Recessive and X-Linked Classification Criteria (2023). Collection method: clinical testing. Allele origin: unknown.
Comment: This variant is considered benign. This variant is a silent/synonymous amino acid change and it is not expected to impact splicing.

Sema4
Classification: Likely benign for Hereditary cancer-predisposing syndrome. Last evaluated: 2021-11-14. Review status: criteria provided, single submitter. Criteria: Sema4 Curation Guidelines. Collection method: curation. Allele origin: germline.

Ambry Genetics
Classification: Likely benign for Hereditary cancer-predisposing syndrome. Last evaluated: 2018-06-26. Review status: criteria provided, single submitter. Criteria: Ambry Variant Classification Scheme 2023. Collection method: clinical testing. Allele origin: germline.

GeneDx
Classification: Likely benign. Last evaluated: 2017-12-22. Review status: criteria provided, single submitter. Criteria: GeneDx Variant Classification (06012015). Collection method: clinical testing. Allele origin: germline. Affected: yes.
Comment: This variant is considered likely benign or benign based on one or more of the following criteria: it is a conservative change, it occurs at a poorly conserved position in the protein, it is predicted to be benign by multiple in silico algorithms, and/or has population frequency not consistent with disease.

Color Diagnostics, LLC DBA Color Health
Classification: Likely benign for Hereditary cancer-predisposing syndrome. Last evaluated: 2017-12-06. Review status: criteria provided, single submitter. Criteria: ACMG Guidelines, 2015. Collection method: clinical testing. Allele origin: germline.

NM_000051.4(ATM):c.3831G>A (p.Glu1277=)

Gene: ATM (ATM serine/threonine kinase; plus strand). Cytogenetic location: 11q22.3.
Variant type: single nucleotide variant.
Coding change: c.3831G>A on transcript NM_000051.4 (MANE Select); coding-DNA position 3831, G replaced by A.
Protein change: p.Glu1277=; no amino-acid change (glutamic acid 1277 retained).
Molecular consequence: synonymous variant.
Genome position (GRCh38, 1-based): chr11:108,284,311, G>A. VCF-style: chr11-108284311-G-A. GRCh37 (hg19) VCF-style: chr11-108155038-G-A.
Other names: c.3831G>A, p.Glu1277= (NM_001351834.2).
Identifiers: ClinVar variation 184808 (VCV000184808.18), dbSNP rs587781787, ClinGen allele CA190105.